The following is an entry in ClinVar:

ClinVar aggregate classification (germline): Uncertain significance (1 of 4 stars; one submission).

Allele frequency attached by ClinVar (database versions not stated): ExAC 0.00001; gnomAD 0.00001; TOPMed 0.00001; gnomAD exomes 0.00002.
gnomAD v4.1: 34 of 1,614,026 alleles (0.0021%); highest among the groups gnomAD compares: Non-Finnish European, 0.0027%; no homozygotes.

Submission:

Labcorp Genetics (formerly Invitae), Labcorp
Classification: Uncertain significance. Last evaluated: 2022-03-20. Review status: criteria provided, single submitter. Criteria: Invitae Variant Classification Sherloc (09022015). Collection method: clinical testing. Allele origin: germline.
Comment: This sequence change replaces serine, which is neutral and polar, with proline, which is neutral and non-polar, at codon 85 of the ESCO2 protein (p.Ser85Pro). The frequency data for this variant in the population databases is considered unreliable, as metrics indicate poor data quality at this position in the gnomAD database. This variant has not been reported in the literature in individuals affected with ESCO2-related conditions. Algorithms developed to predict the effect of missense changes on protein structure and function are either unavailable or do not agree on the potential impact of this missense change (SIFT: "Deleterious"; PolyPhen-2: "Probably Damaging"; Align-GVGD: "Class C0"). In summary, the available evidence is currently insufficient to determine the role of this variant in disease. Therefore, it has been classified as a Variant of Uncertain Significance.

NM_001017420.3(ESCO2):c.253T>C (p.Ser85Pro)

Gene: ESCO2 (establishment of sister chromatid cohesion N-acetyltransferase 2; plus strand). Cytogenetic location: 8p21.1.
Variant type: single nucleotide variant.
Coding change: c.253T>C on transcript NM_001017420.3 (MANE Select); coding-DNA position 253, T replaced by C.
Protein change: p.Ser85Pro; replaces serine 85 with proline.
Molecular consequence: missense variant.
Genome position (GRCh38, 1-based): chr8:27,776,561, T>C. VCF-style: chr8-27776561-T-C. GRCh37 (hg19) VCF-style: chr8-27634078-T-C.
Other names: short protein forms S85P.
Identifiers: ClinVar variation 2052220 (VCV002052220.1), dbSNP rs774431252, ClinGen allele CA4692024.